The following is an entry in ClinVar:

ClinVar aggregate classification (germline): Uncertain significance (1 of 4 stars; one submission).

Allele frequency attached by ClinVar (database versions not stated): gnomAD exomes below 0.00001.
gnomAD v4.1: 1 of 1,613,652 alleles (0.000062%); highest among the groups gnomAD compares: Non-Finnish European, 0.000085%; no homozygotes.

Submission:

Labcorp Genetics (formerly Invitae), Labcorp
Classification: Uncertain significance. Last evaluated: 2025-01-13. Review status: criteria provided, single submitter. Criteria: Invitae Variant Classification Sherloc (09022015). Collection method: clinical testing. Allele origin: germline.
Comment: This sequence change replaces threonine, which is neutral and polar, with alanine, which is neutral and non-polar, at codon 92 of the LRRC8A protein (p.Thr92Ala). This variant is not present in population databases (gnomAD no frequency). This variant has not been reported in the literature in individuals affected with LRRC8A-related conditions. ClinVar contains an entry for this variant (Variation ID: 2071719). An algorithm developed to predict the effect of missense changes on protein structure and function outputs the following: PolyPhen-2: "Benign". The alanine amino acid residue is found in multiple mammalian species, which suggests that this missense change does not adversely affect protein function. In summary, the available evidence is currently insufficient to determine the role of this variant in disease. Therefore, it has been classified as a Variant of Uncertain Significance.

NM_019594.4(LRRC8A):c.274A>G (p.Thr92Ala)

Gene: LRRC8A (leucine rich repeat containing 8 VRAC subunit A; plus strand). Cytogenetic location: 9q34.11.
Variant type: single nucleotide variant.
Coding change: c.274A>G on transcript NM_019594.4 (MANE Select); coding-DNA position 274, A replaced by G.
Protein change: p.Thr92Ala; replaces threonine 92 with alanine.
Molecular consequence: missense variant.
Genome position (GRCh38, 1-based): chr9:128,907,438, A>G. VCF-style: chr9-128907438-A-G. GRCh37 (hg19) VCF-style: chr9-131669717-A-G.
Other names: c.274A>G, p.Thr92Ala (NM_001127244.2, NM_001127245.2); short protein forms T92A.
Identifiers: ClinVar variation 2071719 (VCV002071719.4), dbSNP rs2491862949, ClinGen allele CA375073273.